The following is an entry in ClinVar:

ClinVar aggregate classification (germline): Pathogenic (1 of 4 stars; one submission).

Conditions:
Cockayne spectrum with or without cerebrooculofacioskeletal syndrome. Identifiers: MedGen CN315928, MONDO:0100506.

Submission:

Myriad Genetics, Inc.
Classification: Pathogenic for Cockayne spectrum with or without cerebrooculofacioskeletal syndrome. Last evaluated: 2023-11-22. Review status: criteria provided, single submitter. Criteria: Myriad Autosomal Dominant, Autosomal Recessive and X-Linked Classification Criteria (2023). Collection method: clinical testing. Allele origin: unknown.
Comment: NM_000124.2(ERCC6):c.1427_1428delAA(K476Rfs*11) is expected to be pathogenic in the context of ERCC6-related disorders. This variant is predicted to lead to an abnormal or absent protein product due to the creation of a premature termination codon in ERCC6, a gene where loss-of-function variants are known to be pathogenic. Please note: this variant was assessed in the context of healthy population screening.

NM_000124.4(ERCC6):c.1427_1428del (p.Lys476fs)

Gene: ERCC6 (ERCC excision repair 6, chromatin remodeling factor; minus strand). Cytogenetic location: 10q11.23.
Variant type: Deletion.
Coding change: c.1427_1428del on transcript NM_000124.4 (MANE Select); coding-DNA positions 1427 to 1428, 2 bases deleted (AA; older notation c.1427_1428delAA).
Protein change: p.Lys476fs; shifts the reading frame from lysine 476.
Molecular consequence: frameshift variant.
Genome position (GRCh38, 1-based): chr10:49,505,982-49,505,983, TT deleted on the plus strand (AA on the coding strand, the reverse complement: ERCC6 is on the minus strand); deleting any 2 consecutive bases within chr10:49,505,982-49,505,984 gives the same sequence; the c. name uses the placement nearest the transcript's 3' end. VCF-style (leftmost placement, unchanged base first): chr10-49505981-CTT-C. GRCh37 (hg19) VCF-style: chr10-50714027-CTT-C.
Other names: c.1427_1428del, p.Lys476fs (NM_001346440.2); short protein forms K476fs.
Identifiers: ClinVar variation 5012513 (VCV005012513.1).
Genomic context (GRCh38, chr10:49,505,981, plus strand): 5'-AACCTTCGTCAAATTCAGCATCACTTTCCTCAGAATCGTCCTCCAGCTTCAGACGTTTCT[CTT>C]TGTCCTGCAGTCTCAGTTTATTCCATCTCCTACCATGAAAATAAAAATCACATTTCCATT-3'